The following is an entry in ClinVar:

GRCh38/hg38 19p12(chr19:23441926-23878224)x1

Genes: RPSA2 (ribosomal protein SA 2; plus strand), ZNF675 (zinc finger protein 675; minus strand), ZNF681 (zinc finger protein 681; minus strand), LOC125371498 (Sharpr-MPRA regulatory region 124; plus strand), LOC130064105 (ATAC-STARR-seq lymphoblastoid active region 14392; plus strand) and 2 more. Cytogenetic location: 19p12.
Variant type: copy number loss.
Change: copy number 1 (one copy instead of two) of chr19:23,441,926-23,878,224 (436.3 kb, GRCh38 coordinates, 1-based), cytogenetic band 19p12.
Identifiers: ClinVar variation 148477 (VCV000148477.3).

ClinVar aggregate classification (germline): conflicting data from submitters (0 of 4 stars; one submission).

Submission:

ISCA site 1
Classification: conflicting data from submitters. Last evaluated: 2013-04-04. Review status: no assertion criteria provided. Collection method: clinical testing. Allele origin: maternal, paternal. Affected: yes. Observed: 3 variant alleles. Clinical features observed: Developmental delay AND/OR other significant developmental or morphological phenotypes, Autism (HP:0000717), Delayed speech and language development (HP:0000750), Delayed gross motor development (HP:0002194), Delayed fine motor development (HP:0010862).
Comment: Uncertain significance(1), Likely benign (2)

Copy number variation identified through the course of routine clinical cytogenomic testing in postnatal populations, with clinical assertions as classified by the original submitter. For data from the original published study, Kaminsky, et al. 2011 (PubMed 21844811), please see nstd101.